The following is an entry in ClinVar:

NM_001374828.1(ARID1B):c.6799C>G (p.Leu2267Val)

Gene: ARID1B (AT-rich interaction domain 1B; plus strand). Cytogenetic location: 6q25.3.
Variant type: single nucleotide variant.
Coding change: c.6799C>G on transcript NM_001374828.1 (MANE Select); coding-DNA position 6799, C replaced by G.
Protein change: p.Leu2267Val; replaces leucine 2267 with valine.
Molecular consequence: missense variant.
Genome position (GRCh38, 1-based): chr6:157,207,571, C>G. VCF-style: chr6-157207571-C-G. GRCh37 (hg19) VCF-style: chr6-157528705-C-G.
Other names: c.6550C>G, p.Leu2184Val (NM_001346813.1); c.4300C>G, p.Leu1434Val (NM_001363725.2); c.6679C>G, p.Leu2227Val (NM_001371656.1, NM_001374820.1); c.6640C>G, p.Leu2214Val (NM_017519.3); c.6430C>G, p.Leu2144Val (NM_020732.3); c.6217C>G, p.Leu2073Val (NM_175863.2); short protein forms L2073V, L2214V, L2184V, L2227V, L1434V, L2144V, L2267V.
Identifiers: ClinVar variation 2870657 (VCV002870657.4), dbSNP rs2128398530, ClinGen allele CA366249083.

ClinVar aggregate classification (germline): Uncertain significance. Review status: criteria provided, multiple submitters, no conflicts (2 of 4 stars). 2 submissions from 2 submitters: Uncertain significance (2). Last evaluated 2026-06-29.

Conditions:
Inborn genetic diseases. Identifiers: MedGen C0950123, MeSH D030342.

Submissions (2):

Ambry Genetics
Classification: Uncertain significance for Inborn genetic diseases. Last evaluated: 2026-06-29. Review status: criteria provided, single submitter. Criteria: Ambry Variant Classification Scheme 2023. Collection method: clinical testing. Allele origin: germline.

Labcorp Genetics (formerly Invitae), Labcorp
Classification: Uncertain significance. Last evaluated: 2024-01-09. Review status: criteria provided, single submitter. Criteria: Invitae Variant Classification Sherloc (09022015). Collection method: clinical testing. Allele origin: germline.
Comment: This sequence change replaces leucine, which is neutral and non-polar, with valine, which is neutral and non-polar, at codon 2144 of the ARID1B protein (p.Leu2144Val). This variant is not present in population databases (gnomAD no frequency). This variant has not been reported in the literature in individuals affected with ARID1B-related conditions. Advanced modeling of protein sequence and biophysical properties (such as structural, functional, and spatial information, amino acid conservation, physicochemical variation, residue mobility, and thermodynamic stability) has been performed at Invitae for this missense variant, however the output from this modeling did not meet the statistical confidence thresholds required to predict the impact of this variant on ARID1B protein function. In summary, the available evidence is currently insufficient to determine the role of this variant in disease. Therefore, it has been classified as a Variant of Uncertain Significance.